The following is an entry in ClinVar:

NM_015506.3(MMACHC):c.277-4C>G

Gene: MMACHC (metabolism of cobalamin associated C; plus strand). Cytogenetic location: 1p34.1.
Variant type: single nucleotide variant.
Coding change: c.277-4C>G on transcript NM_015506.3 (MANE Select); 4 bases into the intron before coding-DNA position 277, C replaced by G.
Molecular consequence: intron variant.
Genome position (GRCh38, 1-based): chr1:45,508,208, C>G. VCF-style: chr1-45508208-C-G. GRCh37 (hg19) VCF-style: chr1-45973880-C-G.
Other names: p.?; c.106-4C>G (NM_001330540.2).
Identifiers: ClinVar variation 297481 (VCV000297481.24), dbSNP rs199889403, ClinGen allele CA827693.

ClinVar aggregate classification (germline): Conflicting classifications of pathogenicity. Review status: criteria provided, conflicting classifications (1 of 4 stars). 9 submissions from 9 submitters: Uncertain significance (2); Likely benign (6). 1 of the submissions does not count toward it. Last evaluated 2026-02-01.

Conditions:
Inborn genetic diseases. Identifiers: MedGen C0950123, MeSH D030342.
Cobalamin C disease. Also called: methylmalonic aciduria and homocystinuria type cblC; Cobalamin-C methylmalonic acidemia and homocystinuria; Methylmalonic acidemia and homocystinuria cblC type; Methylmalonic aciduria and homocystinuria, Vitamin B12-responsive; Vitamin B12 metabolic defect with combined deficiency of methylmalonyl-CoA mutase and homocysteine:methyltetrahydrofolate methyltransferase; Methylmalonic aciduria with homocystinuria cblC type. Identifiers: Orphanet 26, Orphanet 79282, MedGen C1848561, MONDO:0010184, OMIM 277400.
Disorders of Intracellular Cobalamin Metabolism. Identifiers: MedGen CN043592.

Allele frequency attached by ClinVar (database versions not stated): ExAC 0.00031; gnomAD exomes 0.00032; gnomAD 0.00038 and 0.00045; ESP Exome Variant Server 0.00049; TOPMed 0.00053.
gnomAD v4.1: 1,020 of 1,613,980 alleles (0.063%); highest among the groups gnomAD compares: Non-Finnish European, 0.082%; 1 homozygote.

Submissions (9):

Labcorp Genetics (formerly Invitae), Labcorp
Classification: Likely benign for Cobalamin C disease. Last evaluated: 2026-02-01. Review status: criteria provided, single submitter. Criteria: Invitae Variant Classification Sherloc (09022015). Collection method: clinical testing. Allele origin: germline.

Mayo Clinic Laboratories, Mayo Clinic
Classification: Likely benign. Last evaluated: 2025-07-01. Review status: criteria provided, single submitter. Criteria: ACMG Guidelines, 2015. Collection method: clinical testing. Allele origin: germline. Observed: 2 variant alleles.
Comment: BP4, BP7

Ambry Genetics
Classification: Uncertain significance for Inborn genetic diseases. Last evaluated: 2025-05-28. Review status: criteria provided, single submitter. Criteria: Ambry Variant Classification Scheme 2023. Collection method: clinical testing. Allele origin: germline.
Comment: The c.277-4C>G intronic alteration consists of a C to G substitution 4 nucleotides before exon 3 of the MMACHC gene. Based on insufficient or conflicting evidence, the clinical significance of this alteration remains unclear.

Women's Health and Genetics/Laboratory Corporation of America, LabCorp
Classification: Likely benign. Last evaluated: 2025-04-25. Review status: criteria provided, single submitter. Criteria: LabCorp Variant Classification Summary - May 2015. Collection method: clinical testing. Allele origin: germline.

Blueprint Genetics
Classification: Likely benign. Last evaluated: 2024-10-31. Review status: criteria provided, single submitter. Criteria: ACMG Guidelines, 2015. Collection method: clinical testing. Allele origin: germline.

ARUP Laboratories, Molecular Genetics and Genomics, ARUP Laboratories
Classification: Likely benign for Cobalamin C disease. Last evaluated: 2024-06-10. Review status: criteria provided, single submitter. Criteria: ARUP Molecular Germline Variant Investigation Process 2024. Collection method: clinical testing. Allele origin: germline.

Illumina Laboratory Services, Illumina
Classification: Uncertain significance for Disorders of Intracellular Cobalamin Metabolism. Last evaluated: 2018-01-13. Review status: criteria provided, single submitter. Criteria: ICSL Variant Classification Criteria 13 December 2019. Collection method: clinical testing. Allele origin: germline.

GeneDx
Classification: Likely benign. Last evaluated: 2016-09-01. Review status: criteria provided, single submitter. Criteria: GeneDx Variant Classification (06012015). Collection method: clinical testing. Allele origin: germline. Affected: yes.
Comment: This variant is considered likely benign or benign based on one or more of the following criteria: it is a conservative change, it occurs at a poorly conserved position in the protein, it is predicted to be benign by multiple in silico algorithms, and/or has population frequency not consistent with disease.

Natera, Inc.
Classification: Likely benign for Methylmalonic aciduria with homocystinuria cblC type. Last evaluated: 2020-09-16. Review status: no assertion criteria provided. Collection method: clinical testing. Allele origin: germline. Not counted in ClinVar's aggregate classification.